The following is an entry in ClinVar:

ClinVar aggregate classification (germline): Likely benign (1 of 4 stars; one submission).

Allele frequency attached by ClinVar (database versions not stated): gnomAD exomes below 0.00001.

Submission:

CeGaT Center for Human Genetics Tuebingen
Classification: Likely benign. Last evaluated: 2023-01-01. Review status: criteria provided, single submitter. Criteria: CeGaT Center For Human Genetics Tuebingen Variant Classification Criteria Version 2. Collection method: clinical testing. Allele origin: germline. Affected: yes. Observed: 1 variant allele.
Comment: EIF3F: PM2:Supporting, BP4, BP7

NM_003754.3(EIF3F):c.555G>A (p.Leu185=)

Gene: EIF3F (eukaryotic translation initiation factor 3 subunit F; plus strand). Cytogenetic location: 11p15.4.
Variant type: single nucleotide variant.
Coding change: c.555G>A on transcript NM_003754.3 (MANE Select); coding-DNA position 555, G replaced by A.
Protein change: p.Leu185=; no amino-acid change (leucine 185 retained).
Molecular consequence: synonymous variant.
Genome position (GRCh38, 1-based): chr11:7,992,926, G>A. VCF-style: chr11-7992926-G-A. GRCh37 (hg19) VCF-style: chr11-8014473-G-A.
Identifiers: ClinVar variation 2641578 (VCV002641578.24), dbSNP rs2495442623, ClinGen allele CA472993010.